The following is an entry in ClinVar:

ClinVar aggregate classification (germline): Likely pathogenic (1 of 4 stars; one submission).

Conditions:
Ullrich congenital muscular dystrophy 1A. Also called: Ullrich congenital muscular dystrophy 1; Intermediate COL6-RD. Identifiers: Orphanet 75840, MedGen C0410179, MONDO:0009681, OMIM 254090.

Submission:

Neuberg Centre For Genomic Medicine, NCGM
Classification: Likely pathogenic for Ullrich congenital muscular dystrophy 1A. Last evaluated: 2023-03-01. Review status: criteria provided, single submitter. Criteria: ACMG Guidelines, 2015. Collection method: clinical testing. Allele origin: germline. Inheritance: Autosomal recessive inheritance. Affected: yes.
Comment: The frameshift c.9047dup (p.Pro3017SerfsTer5) variant in COL6A3 gene has not been reported previously as a pathogenic variant nor as a benign variant, to our knowledge. The p.Pro3017SerfsTer5 variant is novel (not in any individuals) in gnomAD Exomes and 1000 Genomes. This variant has been not reported to the ClinVar database. This variant causes a frameshift starting with codon Proline 3017, changes this amino acid to Serine residue, and creates a premature Stop codon at position 5 of the new reading frame, denoted p.Pro3017SerfsTer5. This variant is predicted to cause loss of normal protein function through protein truncation. Loss of function variants have been previously reported to be disease causing. For these reasons, this variant has been classified as Likely Pathogenic.

NM_004369.4(COL6A3):c.9047dup (p.Pro3017fs)

Gene: COL6A3 (collagen type VI alpha 3 chain; minus strand). Cytogenetic location: 2q37.3.
Variant type: Duplication.
Coding change: c.9047dup on transcript NM_004369.4 (MANE Select); coding-DNA position 9047, one base duplicated (G; older notation c.9047dupG).
Protein change: p.Pro3017fs; shifts the reading frame from proline 3017.
Molecular consequence: frameshift variant.
Genome position (GRCh38, 1-based): chr2:237,334,808, C duplicated on the plus strand (G on the coding strand, the reverse complement: COL6A3 is on the minus strand); the first of 2 consecutive C bases (chr2:237,334,808-237,334,809); duplicating either gives the same sequence. VCF-style (leftmost placement, unchanged base first): chr2-237334807-A-AC. GRCh37 (hg19) VCF-style: chr2-238243450-A-AC.
Other names: c.7226dup, p.Pro2410fs (NM_057166.5); c.8429dup, p.Pro2811fs (NM_057167.4); short protein forms P2410fs, P2811fs, P3017fs.
Identifiers: ClinVar variation 2671676 (VCV002671676.1), dbSNP rs2469787965, ClinGen allele CA2695197703.